The following is an entry in ClinVar:

NM_001384732.1(CPLANE1):c.8120-332T>C

Gene: CPLANE1 (ciliogenesis and planar polarity effector complex subunit 1; minus strand). Cytogenetic location: 5p13.2.
Variant type: single nucleotide variant.
Coding change: c.8120-332T>C on transcript NM_001384732.1 (MANE Select); 332 bases into the intron before coding-DNA position 8120, T replaced by C.
Molecular consequence: intron variant.
Genome position (GRCh38, 1-based): chr5:37,154,325, A>G on the plus strand (T>C on the coding strand, the complement: CPLANE1 is on the minus strand). VCF-style: chr5-37154325-A-G. GRCh37 (hg19) VCF-style: chr5-37154427-A-G.
Other names: c.7958-332T>C (NM_023073.4).
Identifiers: ClinVar variation 671676 (VCV000671676.1), dbSNP rs2365910, ClinGen allele CA12114911.

ClinVar aggregate classification (germline): Benign (1 of 4 stars; one submission).

Allele frequency attached by ClinVar (database versions not stated): 1000 Genomes Project 30x 0.17411; TOPMed 0.17830; gnomAD 0.16878; 1000 Genomes Project 0.17292.
gnomAD v4.1: 25,884 of 151,994 alleles (17%); highest among the groups gnomAD compares: African/African-American, 31%; 2,817 homozygotes.

Submission:

GeneDx
Classification: Benign. Last evaluated: 2018-06-19. Review status: criteria provided, single submitter. Criteria: GeneDx Variant Classification (06012015). Collection method: clinical testing. Allele origin: germline. Affected: yes.
Comment: This variant is considered likely benign or benign based on one or more of the following criteria: it is a conservative change, it occurs at a poorly conserved position in the protein, it is predicted to be benign by multiple in silico algorithms, and/or has population frequency not consistent with disease.